The following is an entry in ClinVar:

ClinVar aggregate classification (germline): Pathogenic (1 of 4 stars; one submission).

Conditions:
Hereditary diffuse gastric adenocarcinoma (HDGC). Also called: DIFFUSE GASTRIC AND LOBULAR BREAST CANCER SYNDROME. Identifiers: Orphanet 26106, MedGen C1708349, MONDO:0007648, OMIM 137215.

Submission:

European Reference Network on Genetic Tumour Risk Syndromes (ERN-GENTURIS), i3s - Instituto de Investigação e Inovação em Saúde, University of Porto
Classification: Pathogenic for Hereditary diffuse gastric adenocarcinoma. Last evaluated: 2022-08-01. Review status: criteria provided, single submitter. Criteria: Lee et al. (Hum Mutat. 2018). Collection method: clinical testing. Allele origin: germline. Inheritance: Autosomal dominant inheritance. Affected: yes. Study: ERN GENTURIS.
Comment: PVS1; PS4_Moderate; PM2 (PMID: 30311375)

Literature cited by the submitters: PubMed 36436516.

NM_004360.5(CDH1):c.1264C>T (p.Gln422Ter)

Gene: CDH1 (cadherin 1; plus strand). Cytogenetic location: 16q22.1.
Variant type: single nucleotide variant.
Coding change: c.1264C>T on transcript NM_004360.5 (MANE Select); coding-DNA position 1264, C replaced by T.
Protein change: p.Gln422Ter; replaces glutamine 422 with a stop codon.
Molecular consequence: nonsense. On other transcripts: 5 prime UTR variant (2), intron variant (1).
Genome position (GRCh38, 1-based): chr16:68,813,439, C>T. VCF-style: chr16-68813439-C-T. GRCh37 (hg19) VCF-style: chr16-68847342-C-T.
Other names: c.-352C>T (NM_001317185.2); c.-556C>T (NM_001317186.2); c.1137+1176C>T (NM_001317184.2); short protein forms Q422*.
Identifiers: ClinVar variation 2502945 (VCV002502945.1), dbSNP rs2152133566, ClinGen allele CA396461643.